The following is an entry in ClinVar:

NM_000083.3(CLCN1):c.2253C>G (p.His751Gln)

Gene: CLCN1 (chloride voltage-gated channel 1; plus strand). Cytogenetic location: 7q34.
Variant type: single nucleotide variant.
Coding change: c.2253C>G on transcript NM_000083.3 (MANE Select); coding-DNA position 2253, C replaced by G.
Protein change: p.His751Gln; replaces histidine 751 with glutamine.
Molecular consequence: missense variant. On other transcripts: non-coding transcript variant (1).
Genome position (GRCh38, 1-based): chr7:143,346,220, C>G. VCF-style: chr7-143346220-C-G. GRCh37 (hg19) VCF-style: chr7-143043313-C-G.
Other names: short protein forms H751Q.
Identifiers: ClinVar variation 1514039 (VCV001514039.4), dbSNP rs767926364, ClinGen allele CA4537602.

ClinVar aggregate classification (germline): Uncertain significance (1 of 4 stars; one submission).

Conditions:
Congenital myotonia, autosomal dominant form (THD). Also called: THOMSEN DISEASE; Myotonia congenita autosomal dominant. Identifiers: Orphanet 614, MedGen C2936781, MONDO:0008055, OMIM 160800.
Congenital myotonia, autosomal recessive form. Also called: myotonia congenita, autosomal recessive; BECKER DISEASE; Becker Generalized Myotonia. Identifiers: Orphanet 614, MedGen C0751360, MONDO:0009715, OMIM 255700.

Allele frequency attached by ClinVar (database versions not stated): ExAC 0.00001; gnomAD exomes 0.00001; TOPMed 0.00001.
gnomAD v4.1: 4 of 1,613,418 alleles (0.00025%); highest among the groups gnomAD compares: Admixed American, 0.0067%; no homozygotes.

Submission:

Labcorp Genetics (formerly Invitae), Labcorp
Classification: Uncertain significance for Congenital myotonia, autosomal recessive form; Congenital myotonia, autosomal dominant form. Last evaluated: 2025-09-11. Review status: criteria provided, single submitter. Criteria: Invitae Variant Classification Sherloc (09022015). Collection method: clinical testing. Allele origin: germline.
Comment: This sequence change replaces histidine, which is basic and polar, with glutamine, which is neutral and polar, at codon 751 of the CLCN1 protein (p.His751Gln). This variant is present in population databases (rs767926364, gnomAD 0.009%). This variant has not been reported in the literature in individuals affected with CLCN1-related conditions. ClinVar contains an entry for this variant (Variation ID: 1514039). Invitae Evidence Modeling of protein sequence and biophysical properties (such as structural, functional, and spatial information, amino acid conservation, physicochemical variation, residue mobility, and thermodynamic stability) indicates that this missense variant is not expected to disrupt CLCN1 protein function with a negative predictive value of 95%. In summary, the available evidence is currently insufficient to determine the role of this variant in disease. Therefore, it has been classified as a Variant of Uncertain Significance.